The following is an entry in ClinVar:

ClinVar aggregate classification (germline): Uncertain significance. Review status: criteria provided, single submitter (1 of 4 stars). 2 submissions from 2 submitters: Uncertain significance (1). 1 of the submissions does not count toward it. Last evaluated 2019-11-26.

Conditions:
Microcephaly 16, primary, autosomal recessive (MCPH16). Identifiers: Orphanet 2512, MedGen C4225249, MONDO:0014730, OMIM 616681.

Allele frequency attached by ClinVar (database versions not stated): gnomAD exomes below 0.00001 and 0.00001; ExAC 0.00002.

Submissions (2):

Johns Hopkins Genomics, Johns Hopkins University
Classification: Uncertain significance for Microcephaly 16, primary, autosomal recessive. Last evaluated: 2019-11-26. Review status: criteria provided, single submitter. Criteria: ACMG Guidelines, 2015. Collection method: clinical testing. Allele origin: germline.
Comment: ANKLE2 c.1606C>T (rs761627940) is rare (<0.1%) in a large population dataset4 (gnomAD: 2/247698 total alleles; 0.0008%; no homozygotes). Of three bioinformatics tools queried, one predicts that the substitution would be deleterious, while two predict that it would be tolerated. The arginine residue at this position is evolutionarily conserved across most species assessed. Due to insufficient evidence that this variant is deleterious, we consider the clinical significance of c.1606C>T to be uncertain at this time

OMIM
Classification: Pathogenic for MICROCEPHALY 16, PRIMARY, AUTOSOMAL RECESSIVE. Last evaluated: 2023-02-24. Review status: no assertion criteria provided. Collection method: literature only. Allele origin: germline. Not counted in ClinVar's aggregate classification.

Literature cited by the submitters: PubMed 31735666 (cited by OMIM); PubMed 35871307 (cited by OMIM).

NM_015114.3(ANKLE2):c.1606C>T (p.Arg536Cys)

Gene: ANKLE2 (ankyrin repeat and LEM domain containing 2; minus strand). Cytogenetic location: 12q24.33.
Variant type: single nucleotide variant.
Coding change: c.1606C>T on transcript NM_015114.3 (MANE Select); coding-DNA position 1606, C replaced by T.
Protein change: p.Arg536Cys; replaces arginine 536 with cysteine.
Molecular consequence: missense variant.
Genome position (GRCh38, 1-based): chr12:132,735,500, G>A on the plus strand (C>T on the coding strand, the complement: ANKLE2 is on the minus strand). VCF-style: chr12-132735500-G-A. GRCh37 (hg19) VCF-style: chr12-133312086-G-A.
Other names: short protein forms R536C.
Identifiers: ClinVar variation 978453 (VCV000978453.2), dbSNP rs761627940, ClinGen allele CA6895534.
Genomic context (GRCh38, chr12:132,735,500, plus strand): 5'-ACTTCTTGACGTGGTGAAGGAAGCCTGCTTTCTCTCGAGGTGGAGTTTTCCAGAGCTTGC[G>A]AAAATCTTCTGCCTATGAAGAAAAAAAAATGTATTGAGCCGTGTCAGGCACTGCGCCCCT-3'
Protein context (NP_055929.1, residues 526-546): PLSPAKAEDF[Arg536Cys]KLWKTPPREK